The following is an entry in ClinVar:

NM_003970.4(MYOM2):c.2861A>G (p.Glu954Gly)

Genes: MYOM2 (myomesin 2; plus strand), LOC126860282 (BRD4-independent group 4 enhancer GRCh37_chr8:2053383-2054582; plus strand). Cytogenetic location: 8p23.3.
Variant type: single nucleotide variant.
Coding change: c.2861A>G on transcript NM_003970.4 (MANE Select); coding-DNA position 2861, A replaced by G.
Protein change: p.Glu954Gly; replaces glutamic acid 954 with glycine.
Molecular consequence: missense variant.
Genome position (GRCh38, 1-based): chr8:2,106,368, A>G. VCF-style: chr8-2106368-A-G. GRCh37 (hg19) VCF-style: chr8-2054158-A-G.
Other names: short protein forms E954G.
Identifiers: ClinVar variation 3049094 (VCV003049094.2), dbSNP rs200355577, ClinGen allele CA170459345.

ClinVar aggregate classification (germline): Benign (0 of 4 stars; one submission).

Conditions:
MYOM2-related disorder. Also called: MYOM2-related condition.

Allele frequency attached by ClinVar (database versions not stated): TOPMed 0.00017; gnomAD 0.00070; gnomAD exomes 0.00104; ExAC 0.00272; 1000 Genomes Project 30x 0.00468; 1000 Genomes Project 0.00539.
gnomAD v4.1: 1,667 of 1,614,182 alleles (0.1%); highest among the groups gnomAD compares: South Asian, 1.7%; 26 homozygotes.

Submission:

PreventionGenetics, part of Exact Sciences
Classification: Benign for MYOM2-related condition. Last evaluated: 2019-12-09. Review status: no assertion criteria provided. Collection method: clinical testing. Allele origin: germline.
Comment: This variant is classified as benign based on ACMG/AMP sequence variant interpretation guidelines (Richards et al. 2015 PMID: 25741868, with internal and published modifications).